The following is an entry in ClinVar:

NM_032861.4(SERAC1):c.1628_1629dup (p.Val544fs)

Gene: SERAC1 (serine active site containing 1; minus strand). Cytogenetic location: 6q25.3.
Variant type: Microsatellite.
Coding change: c.1628_1629dup on transcript NM_032861.4 (MANE Select); coding-DNA positions 1628 to 1629, 2 bases duplicated (CT; older notation c.1628_1629dupCT).
Protein change: p.Val544fs; shifts the reading frame from valine 544.
Molecular consequence: frameshift variant. On other transcripts: non-coding transcript variant (1).
Genome position (GRCh38, 1-based): chr6:158,114,844-158,114,845, AG duplicated on the plus strand (CT on the coding strand, the reverse complement: SERAC1 is on the minus strand); duplicating any 2 consecutive bases within chr6:158,114,844-158,114,847 gives the same sequence; the c. name uses the placement nearest the transcript's 3' end. VCF-style (leftmost placement, unchanged base first): chr6-158114843-C-CAG. GRCh37 (hg19) VCF-style: chr6-158535875-C-CAG.
Other names: c.1628_1629dupCT (NM_032861.3); c.1628_1629dup (NM_032861.3); short protein forms V544fs.
Identifiers: ClinVar variation 215148 (VCV000215148.7), dbSNP rs767780913, ClinGen allele CA319980.

ClinVar aggregate classification (germline): Pathogenic. Review status: criteria provided, single submitter (1 of 4 stars). 2 submissions from 2 submitters: Pathogenic (1). 1 of the submissions does not count toward it. Last evaluated 2024-04-06.

Conditions:
3-methylglutaconic aciduria with deafness, encephalopathy, and Leigh-like syndrome (MEGDEL). Also called: SERAC1 Deficiency; 3-METHYLGLUTACONIC ACIDURIA, TYPE VI; MEGDEL syndrome. Identifiers: Orphanet 352328, MedGen C4040739, MONDO:0013875, OMIM 614739.

Submissions (2):

GeneDx
Classification: Pathogenic. Last evaluated: 2024-04-06. Review status: criteria provided, single submitter. Criteria: GeneDx Variant Classification Process June 2021. Collection method: clinical testing. Allele origin: germline. Affected: yes.
Comment: Frameshift variant predicted to result in protein truncation or nonsense mediated decay in a gene for which loss of function is a known mechanism of disease; Not observed at significant frequency in large population cohorts (gnomAD); This variant is associated with the following publications: (PMID: 22683713)

OMIM
Classification: Pathogenic for 3-METHYLGLUTACONIC ACIDURIA WITH DEAFNESS, ENCEPHALOPATHY, AND LEIGH-LIKE SYNDROME. Last evaluated: 2012-06-10. Review status: no assertion criteria provided. Collection method: literature only. Allele origin: germline. Not counted in ClinVar's aggregate classification.

Literature cited by the submitters: Wortmann, S., Rodenburg, R. J. T., Huizing, M., Loupatty, F. J., de Koning, T., Kluijtmans, L. A. J., Engelke, U., Wevers, R., Smeitink, J. A. M., Morava, E. Association of 3-methylglutaconic aciduria with sensori-neural deafness, encephalopathy, and Leigh-like syndrome (MEGDEL association) in four patients with a disorder of the oxidative phosphorylation. Molec. Genet. Metab. 88: 47-52, 2006. (cited by OMIM); Wortmann, S. B., Vaz, F. M., Gardeitchik, T., Vissers, L. E. L. M., Renkema, G. H., Schuurs-Hoeijmakers, J. H. M., Kulik, W., Lammens, M., Christin, C., Kluijtmans, L. A. J., Rodenburg, R. J., Nijtmans, L. G. J., and 22 others Mutations in the phospholipid remodeling gene SERCA1 impair mitochondrial function and intracellular cholesterol trafficking and cause dystonia and deafness. Nature Genet. 44: 797-802, 2012. (cited by OMIM).